The following is an entry in ClinVar:

ClinVar aggregate classification (germline): Uncertain significance (1 of 4 stars; one submission).

Submission:

Women's Health and Genetics/Laboratory Corporation of America, LabCorp
Classification: Uncertain significance. Last evaluated: 2024-08-08. Review status: criteria provided, single submitter. Criteria: LabCorp Variant Classification Summary - May 2015. Collection method: clinical testing. Allele origin: germline.
Comment: Variant summary: The variant involves the duplication of exons 3-7 in the ACSF3 gene. A presumed nomenclature of c.(-21+1_-20-1)_(1239+1_1240-1)dup has been designated for the purposes of this classification. It is assumed to be a tandem duplication in direct orientation (PMIDs: 25640679, 30054569). It is predicted to duplicate a segment including the initiation codon, therefore its impact on the encoded protein is unknown. The variant was absent in 21694 control chromosomes. The available data on variant occurrences in the general population are insufficient to allow any conclusion about variant significance. To our knowledge, no occurrence of c.(-21+1_-20-1)_(1239+1_1240-1)dup in individuals affected with Combined Malonic And Methylmalonic Aciduria and no experimental evidence demonstrating its impact on protein function have been reported. ClinVar contains an entry for this variant (Variation ID: 1056382). Based on the evidence outlined above, the variant was classified as uncertain significance.

NC_000016.9:g.(89165172_89167069)_(89187322_89199543)dup

Gene: ACSF3 (acyl-CoA synthetase family member 3; plus strand). Cytogenetic location: 16q24.3.
Variant type: Duplication.
Identifiers: ClinVar variation 3366392 (VCV003366392.1).